The following is an entry in ClinVar:

NM_002470.4(MYH3):c.3102+2T>G

Gene: MYH3 (myosin heavy chain 3; minus strand). Cytogenetic location: 17p13.1.
Variant type: single nucleotide variant.
Coding change: c.3102+2T>G on transcript NM_002470.4 (MANE Select); the canonical splice donor site of the intron after coding-DNA position 3102, T replaced by G.
Molecular consequence: splice donor variant.
Genome position (GRCh38, 1-based): chr17:10,639,296, A>C on the plus strand (T>G on the coding strand, the complement: MYH3 is on the minus strand). VCF-style: chr17-10639296-A-C. GRCh37 (hg19) VCF-style: chr17-10542613-A-C.
Identifiers: ClinVar variation 4850341 (VCV004850341.1).
Genomic context (GRCh38, chr17:10,639,296, plus strand): 5'-GACCCTTGAGGGCTCTTCCAACCCTGGAGTTCTGGGACTCCCGATGAGCATTATTTACTT[A>C]CGTCTTCCACTTGCTGTTCCAGTTTGCTCTTGGTTTTGTTCAAAGAATTGACTTTGTCTT-3'

ClinVar aggregate classification (germline): Likely pathogenic (1 of 4 stars; one submission).

Conditions:
Contractures, pterygia, and variable skeletal fusions syndrome 1B. Also called: CONTRACTURES, PTERYGIA, AND SPONDYLOCARPOTARSAL FUSION SYNDROME 1B. Identifiers: MedGen C5193114, MONDO:0020746, OMIM 618469.

gnomAD v4.1: 2 of 1,613,908 alleles (0.00012%); highest among the groups gnomAD compares: South Asian, 0.0022%; no homozygotes.

Submission:

First Genomix Gene Laboratory, Genetic Diagnostics Department
Classification: Likely pathogenic for Contractures, pterygia, and variable skeletal fusions syndrome 1B. Last evaluated: 2025-09-19. Review status: criteria provided, single submitter. Criteria: ACMG Guidelines, 2015. Collection method: clinical testing. Allele origin: germline. Inheritance: Autosomal recessive inheritance. Affected: no. Observed: 1 variant allele.